The following is an entry in ClinVar:

NM_006757.4(TNNT3):c.515G>A (p.Arg172Gln)

Gene: TNNT3 (troponin T3, fast skeletal type; plus strand). Cytogenetic location: 11p15.5.
Variant type: single nucleotide variant.
Coding change: c.515G>A on transcript NM_006757.4 (MANE Select); coding-DNA position 515, G replaced by A.
Protein change: p.Arg172Gln; replaces arginine 172 with glutamine.
Molecular consequence: missense variant.
Genome position (GRCh38, 1-based): chr11:1,934,580, G>A. VCF-style: chr11-1934580-G-A. GRCh37 (hg19) VCF-style: chr11-1955810-G-A.
Other names: c.491G>A, p.Arg164Gln (NM_001042780.3, NM_001042782.3, NM_001297646.2 and 2 more transcripts); c.509G>A, p.Arg170Gln (NM_001042781.3, NM_001367842.1, NM_001367843.1); c.524G>A, p.Arg175Gln (NM_001363561.2, NM_001367847.1); c.548G>A, p.Arg183Gln (NM_001367846.1); c.512G>A, p.Arg171Gln (NM_001367848.1); c.503G>A, p.Arg168Gln (NM_001367849.1); c.458G>A, p.Arg153Gln (NM_001367850.1); c.311G>A, p.Arg104Gln (NM_001367851.1, NM_001367852.1); short protein forms R172Q, R164Q, R168Q, R170Q, R153Q, R175Q, R104Q, R171Q.
Identifiers: ClinVar variation 303975 (VCV000303975.11), dbSNP rs200937415, ClinGen allele CA5816520.
Genomic context (GRCh38, chr11:1,934,580, plus strand): 5'-CCTCTCTTTGGGCCTGTCCGCTGCAGGCTGACCAGAAGAGAGGCAAGAAGCAGACAGCCC[G>A]GGAAATGAAGAAGAAGATTCTGGCTGAGAGACGCAAGCCGCTCAACATCGATCACCTTGG-3'
Protein context (NP_006748.1, residues 162-182): DQKRGKKQTA[Arg172Gln]EMKKKILAER

ClinVar aggregate classification (germline): Uncertain significance. Review status: criteria provided, multiple submitters, no conflicts (2 of 4 stars). 2 submissions from 2 submitters: Uncertain significance (2). Last evaluated 2024-10-29.

Conditions:
Inborn genetic diseases. Identifiers: MedGen C0950123, MeSH D030342.

Allele frequency attached by ClinVar (database versions not stated): TOPMed 0.00006; ExAC 0.00005; gnomAD 0.00005 and 0.00006; gnomAD exomes 0.00006.

Submissions (2):

Labcorp Genetics (formerly Invitae), Labcorp
Classification: Uncertain significance. Last evaluated: 2024-10-29. Review status: criteria provided, single submitter. Criteria: Invitae Variant Classification Sherloc (09022015). Collection method: clinical testing. Allele origin: germline.
Comment: This sequence change replaces arginine, which is basic and polar, with glutamine, which is neutral and polar, at codon 172 of the TNNT3 protein (p.Arg172Gln). This variant is present in population databases (rs200937415, gnomAD 0.07%), and has an allele count higher than expected for a pathogenic variant. This variant has not been reported in the literature in individuals affected with TNNT3-related conditions. ClinVar contains an entry for this variant (Variation ID: 303975). An algorithm developed to predict the effect of missense changes on protein structure and function (PolyPhen-2) suggests that this variant is likely to be disruptive. In summary, the available evidence is currently insufficient to determine the role of this variant in disease. Therefore, it has been classified as a Variant of Uncertain Significance.

Ambry Genetics
Classification: Uncertain significance for Inborn genetic diseases. Last evaluated: 2024-06-11. Review status: criteria provided, single submitter. Criteria: Ambry Variant Classification Scheme 2023. Collection method: clinical testing. Allele origin: germline.